The following is an entry in ClinVar:

NM_014365.3(HSPB8):c.121C>T (p.Pro41Ser)

Gene: HSPB8 (heat shock protein family B (small) member 8; plus strand). Cytogenetic location: 12q24.23.
Variant type: single nucleotide variant.
Coding change: c.121C>T on transcript NM_014365.3 (MANE Select); coding-DNA position 121, C replaced by T.
Protein change: p.Pro41Ser; replaces proline 41 with serine.
Molecular consequence: missense variant.
Genome position (GRCh38, 1-based): chr12:119,179,433, C>T. VCF-style: chr12-119179433-C-T. GRCh37 (hg19) VCF-style: chr12-119617238-C-T.
Other names: short protein forms P41S.
Identifiers: ClinVar variation 1415772 (VCV001415772.6), dbSNP rs920906527, ClinGen allele CA244334707.

ClinVar aggregate classification (germline): Uncertain significance (1 of 4 stars; one submission).

Conditions:
Charcot-Marie-Tooth disease axonal type 2L. Also called: Charcot-Marie-Tooth Neuropathy Type 2L; CHARCOT-MARIE-TOOTH DISEASE, AXONAL, AUTOSOMAL DOMINANT, TYPE 2L; CHARCOT-MARIE-TOOTH NEUROPATHY, AXONAL, TYPE 2L. Identifiers: Orphanet 99945, MedGen C1837552, MONDO:0012096, OMIM 608673.

Allele frequency attached by ClinVar (database versions not stated): gnomAD exomes below 0.00001; TOPMed 0.00002.
gnomAD v4.1: 2 of 1,614,176 alleles (0.00012%); highest among the groups gnomAD compares: Admixed American, 0.0033%; no homozygotes.

Submission:

Labcorp Genetics (formerly Invitae), Labcorp
Classification: Uncertain significance for Charcot-Marie-Tooth disease axonal type 2L. Last evaluated: 2021-09-17. Review status: criteria provided, single submitter. Criteria: Invitae Variant Classification Sherloc (09022015). Collection method: clinical testing. Allele origin: germline.
Comment: This variant has not been reported in the literature in individuals affected with HSPB8-related conditions. In summary, the available evidence is currently insufficient to determine the role of this variant in disease. Therefore, it has been classified as a Variant of Uncertain Significance. Algorithms developed to predict the effect of missense changes on protein structure and function (SIFT, PolyPhen-2, Align-GVGD) all suggest that this variant is likely to be tolerated. This variant is not present in population databases (ExAC no frequency). This sequence change replaces proline with serine at codon 41 of the HSPB8 protein (p.Pro41Ser). The proline residue is moderately conserved and there is a moderate physicochemical difference between proline and serine.